The following is an entry in ClinVar:

NM_007194.4(CHEK2):c.1461+7G>A

Gene: CHEK2 (checkpoint kinase 2; minus strand). Cytogenetic location: 22q12.1.
Variant type: single nucleotide variant.
Coding change: c.1461+7G>A on transcript NM_007194.4 (MANE Select); 7 bases into the intron after coding-DNA position 1461, G replaced by A.
Molecular consequence: intron variant.
Genome position (GRCh38, 1-based): chr22:28,694,025, C>T on the plus strand (G>A on the coding strand, the complement: CHEK2 is on the minus strand). VCF-style: chr22-28694025-C-T. GRCh37 (hg19) VCF-style: chr22-29090013-C-T.
Other names: c.798+7G>A (NM_001437942.1, NM_001257387.3); c.1260+7G>A (NM_001349956.3); c.1374+7G>A (NM_145862.3); c.1467+7G>A (NM_001438295.1); c.1554+7G>A (NM_001438293.1); c.1503+7G>A (NM_001438294.1); c.1590+7G>A (NM_001005735.3).
Identifiers: ClinVar variation 1584756 (VCV001584756.10), dbSNP rs2145783810, ClinGen allele CA2573157955.

ClinVar aggregate classification (germline): Likely benign. Review status: criteria provided, multiple submitters, no conflicts (2 of 4 stars). 2 submissions from 2 submitters: Likely benign (2). Last evaluated 2024-10-08.

Conditions:
Familial cancer of breast. Also called: Hereditary breast cancer; BREAST CANCER, FAMILIAL; hereditary breast carcinoma. Identifiers: Orphanet 227535, MedGen C0346153, MONDO:0016419, OMIM 114480. Disease mechanism: loss of function.

Submissions (2):

Myriad Genetics, Inc.
Classification: Likely benign for Familial cancer of breast. Last evaluated: 2024-10-08. Review status: criteria provided, single submitter. Criteria: Myriad Autosomal Dominant, Autosomal Recessive and X-Linked Classification Criteria (2023). Collection method: clinical testing. Allele origin: unknown.
Comment: This variant is considered likely benign. This variant is intronic and is not expected to impact mRNA splicing.

Labcorp Genetics (formerly Invitae), Labcorp
Classification: Likely benign for Familial cancer of breast. Last evaluated: 2023-06-30. Review status: criteria provided, single submitter. Criteria: Invitae Variant Classification Sherloc (09022015). Collection method: clinical testing. Allele origin: germline.